The following is an entry in ClinVar:

ClinVar aggregate classification (germline): Uncertain significance. Review status: criteria provided, multiple submitters, no conflicts (2 of 4 stars). 2 submissions from 2 submitters: Uncertain significance (2). Last evaluated 2025-02-24.

Conditions:
Hypercoagulability syndrome due to glycosylphosphatidylinositol deficiency (GPIBD1). Also called: GLYCOSYLPHOSPHATIDYLINOSITOL BIOSYNTHESIS DEFECT 1. Identifiers: Orphanet 83639, MedGen C5201145, MONDO:0012465, OMIM 610293.

Allele frequency attached by ClinVar (database versions not stated): gnomAD exomes 0.00001 and 0.00002; ExAC 0.00002; TOPMed 0.00002; gnomAD 0.00003 and 0.00004.
gnomAD v4.1: 14 of 1,614,062 alleles (0.00087%); highest among the groups gnomAD compares: African/African-American, 0.016%; no homozygotes.

Submissions (2):

Labcorp Genetics (formerly Invitae), Labcorp
Classification: Uncertain significance for Hypercoagulability syndrome due to glycosylphosphatidylinositol deficiency. Last evaluated: 2025-02-24. Review status: criteria provided, single submitter. Criteria: Invitae Variant Classification Sherloc (09022015). Collection method: clinical testing. Allele origin: germline.
Comment: This sequence change replaces glycine, which is neutral and non-polar, with aspartic acid, which is acidic and polar, at codon 20 of the PIGM protein (p.Gly20Asp). This variant is present in population databases (rs747612971, gnomAD 0.03%). This variant has not been reported in the literature in individuals affected with PIGM-related conditions. ClinVar contains an entry for this variant (Variation ID: 1004738). Invitae Evidence Modeling of protein sequence and biophysical properties (such as structural, functional, and spatial information, amino acid conservation, physicochemical variation, residue mobility, and thermodynamic stability) indicates that this missense variant is not expected to disrupt PIGM protein function with a negative predictive value of 80%. In summary, the available evidence is currently insufficient to determine the role of this variant in disease. Therefore, it has been classified as a Variant of Uncertain Significance.

Ambry Genetics
Classification: Uncertain significance. Last evaluated: 2024-12-14. Review status: criteria provided, single submitter. Criteria: Ambry Variant Classification Scheme 2023. Collection method: clinical testing. Allele origin: germline.

NM_145167.3(PIGM):c.59G>A (p.Gly20Asp)

Gene: PIGM (phosphatidylinositol glycan anchor biosynthesis class M; minus strand). Cytogenetic location: 1q23.2.
Variant type: single nucleotide variant.
Coding change: c.59G>A on transcript NM_145167.3 (MANE Select); coding-DNA position 59, G replaced by A.
Protein change: p.Gly20Asp; replaces glycine 20 with aspartic acid.
Molecular consequence: missense variant.
Genome position (GRCh38, 1-based): chr1:160,031,681, C>T on the plus strand (G>A on the coding strand, the complement: PIGM is on the minus strand). VCF-style: chr1-160031681-C-T. GRCh37 (hg19) VCF-style: chr1-160001471-C-T.
Other names: c.59G>A (NM_145167.2); short protein forms G20D.
Identifiers: ClinVar variation 1004738 (VCV001004738.10), dbSNP rs747612971, ClinGen allele CA1193124.